The following is an entry in ClinVar:

ClinVar aggregate classification (germline): Uncertain significance. Review status: criteria provided, multiple submitters, no conflicts (2 of 4 stars). 2 submissions from 2 submitters: Uncertain significance (2). Last evaluated 2025-09-09.

Conditions:
Inborn genetic diseases. Identifiers: MedGen C0950123, MeSH D030342.

Allele frequency attached by ClinVar (database versions not stated): ExAC 0.00001; gnomAD 0.00003; TOPMed 0.00006.
gnomAD v4.1: 23 of 1,613,780 alleles (0.0014%); highest among the groups gnomAD compares: African/African-American, 0.029%; no homozygotes.

Submissions (2):

Labcorp Genetics (formerly Invitae), Labcorp
Classification: Uncertain significance. Last evaluated: 2025-09-09. Review status: criteria provided, single submitter. Criteria: Invitae Variant Classification Sherloc (09022015). Collection method: clinical testing. Allele origin: germline.
Comment: This sequence change replaces serine, which is neutral and polar, with cysteine, which is neutral and slightly polar, at codon 1716 of the VCAN protein (p.Ser1716Cys). This variant is present in population databases (rs754070094, gnomAD 0.02%). This missense change has been observed in individual(s) with clinical features of VCAN-related conditions (internal data). ClinVar contains an entry for this variant (Variation ID: 1010301). An algorithm developed to predict the effect of missense changes on protein structure and function (PolyPhen-2) suggests that this variant is likely to be disruptive. In summary, the available evidence is currently insufficient to determine the role of this variant in disease. Therefore, it has been classified as a Variant of Uncertain Significance.

Ambry Genetics
Classification: Uncertain significance for Inborn genetic diseases. Last evaluated: 2022-12-28. Review status: criteria provided, single submitter. Criteria: Ambry Variant Classification Scheme 2023. Collection method: clinical testing. Allele origin: germline.

NM_004385.5(VCAN):c.5147C>G (p.Ser1716Cys)

Genes: VCAN (versican; plus strand), VCAN-AS1 (VCAN antisense RNA 1; minus strand). Cytogenetic location: 5q14.3.
Variant type: single nucleotide variant.
Coding change: c.5147C>G on transcript NM_004385.5 (MANE Select); coding-DNA position 5147, C replaced by G.
Protein change: p.Ser1716Cys; replaces serine 1716 with cysteine.
Molecular consequence: missense variant. On other transcripts: intron variant (2).
Genome position (GRCh38, 1-based): chr5:83,538,150, C>G. VCF-style: chr5-83538150-C-G. GRCh37 (hg19) VCF-style: chr5-82833969-C-G.
Other names: c.5147C>G (NM_004385.4); c.2186C>G, p.Ser729Cys (NM_001164097.2); c.4004-7387C>G (NM_001164098.2); c.1043-7387C>G (NM_001126336.3); short protein forms S1716C, S729C.
Identifiers: ClinVar variation 1010301 (VCV001010301.7), dbSNP rs754070094, ClinGen allele CA3333284.
Genomic context (GRCh38, chr5:83,538,150, plus strand): 5'-CTTCTGCAAAAGTGGTGCCTACCAAGTTTGTAAGTGAAACAGACACTTCTGAGTGGATTT[C>G]CAGTACCACTGTTGAGGAAAAGAAAAGGAAGGAGGAGGAGGGAACTACAGGTACGGCTTC-3'
Protein context (NP_004376.2, residues 1706-1726): VSETDTSEWI[Ser1716Cys]STTVEEKKRK